The following is an entry in ClinVar:

ClinVar aggregate classification (germline): Uncertain significance (1 of 4 stars; one submission).

Conditions:
Joubert syndrome 21 (JBTS21). Identifiers: MedGen C3810212, MONDO:0014288, OMIM 615636.

Submission:

Labcorp Genetics (formerly Invitae), Labcorp
Classification: Uncertain significance for Joubert syndrome 21. Last evaluated: 2022-10-13. Review status: criteria provided, single submitter. Criteria: Invitae Variant Classification Sherloc (09022015). Collection method: clinical testing. Allele origin: germline.
Comment: This sequence change falls in intron 17 of the CSPP1 gene. It does not directly change the encoded amino acid sequence of the CSPP1 protein. This variant is not present in population databases (gnomAD no frequency). This variant has not been reported in the literature in individuals affected with CSPP1-related conditions. ClinVar contains an entry for this variant (Variation ID: 1023695). Algorithms developed to predict the effect of sequence changes on RNA splicing suggest that this variant may create or strengthen a splice site. In summary, the available evidence is currently insufficient to determine the role of this variant in disease. Therefore, it has been classified as a Variant of Uncertain Significance.

NM_001382391.1(CSPP1):c.2241+9C>G

Gene: CSPP1 (centrosome and spindle pole associated protein 1; plus strand). Cytogenetic location: 8q13.2.
Variant type: single nucleotide variant.
Coding change: c.2241+9C>G on transcript NM_001382391.1 (MANE Select); 9 bases into the intron after coding-DNA position 2241, C replaced by G.
Molecular consequence: intron variant.
Genome position (GRCh38, 1-based): chr8:67,154,145, C>G. VCF-style: chr8-67154145-C-G. GRCh37 (hg19) VCF-style: chr8-68066380-C-G.
Other names: c.2046+9C>G (NM_001363132.2); c.2160+9C>G (NM_001363131.2); c.1965+9C>G (NM_001363133.2); c.2307+9C>G (NM_001364869.1); c.2226+9C>G (NM_024790.7, NM_001438331.1); c.2073+9C>G (NM_001438330.1); c.2127+9C>G (NM_001364870.1); c.1542+9C>G (NM_001438332.1); and 1 more.
Identifiers: ClinVar variation 1023695 (VCV001023695.6), dbSNP rs1826230466, ClinGen allele CA1790811561.
Genomic context (GRCh38, chr8:67,154,145, plus strand): 5'-TGAACTTCAGATTAAACAGCAAGAATTATACAAGAATTTTCTTCGTTTCCAGGTGAAATG[C>G]TATTTGATCAGTTTCAAAGTTTCATGAGATTTTAATAAACAAAACTTGCAAAGATTTTCT-3'